The following is an entry in ClinVar:

NM_004187.5(KDM5C):c.2806C>T (p.Arg936Cys)

Gene: KDM5C (lysine demethylase 5C; minus strand). Cytogenetic location: Xp11.22.
Variant type: single nucleotide variant.
Coding change: c.2806C>T on transcript NM_004187.5 (MANE Select); coding-DNA position 2806, C replaced by T.
Protein change: p.Arg936Cys; replaces arginine 936 with cysteine.
Molecular consequence: missense variant. On other transcripts: non-coding transcript variant (3).
Genome position (GRCh38, 1-based): chrX:53,196,861, G>A on the plus strand (C>T on the coding strand, the complement: KDM5C is on the minus strand). VCF-style: chrX-53196861-G-A. GRCh37 (hg19) VCF-style: chrX-53226043-G-A.
Other names: c.2605C>T, p.Arg869Cys (NM_001146702.2); c.2803C>T, p.Arg935Cys (NM_001282622.3, NM_001353979.2, NM_001353982.2); c.2806C>T, p.Arg936Cys (NM_001353978.3, NM_001353981.2, NM_001353984.2); short protein forms R935C, R869C, R936C.
Identifiers: ClinVar variation 2188402 (VCV002188402.4), dbSNP rs782308622, ClinGen allele CA10419326.

ClinVar aggregate classification (germline): Uncertain significance (1 of 4 stars; one submission).

Conditions:
Spastic paraplegia. Identifiers: MedGen C0037772, HP:0001258.

Allele frequency attached by ClinVar (database versions not stated): gnomAD 0.00001; TOPMed 0.00003.
gnomAD v4.1: 21 of 1,205,198 alleles (0.0017%); highest among the groups gnomAD compares: Admixed American, 0.0088%; no homozygotes.

Submission:

Labcorp Genetics (formerly Invitae), Labcorp
Classification: Uncertain significance for Spastic paraplegia. Last evaluated: 2024-08-20. Review status: criteria provided, single submitter. Criteria: Invitae Variant Classification Sherloc (09022015). Collection method: clinical testing. Allele origin: germline.
Comment: This sequence change replaces arginine, which is basic and polar, with cysteine, which is neutral and slightly polar, at codon 936 of the KDM5C protein (p.Arg936Cys). The frequency data for this variant in the population databases is considered unreliable, as metrics indicate poor data quality at this position in the gnomAD database. This variant has not been reported in the literature in individuals affected with KDM5C-related conditions. ClinVar contains an entry for this variant (Variation ID: 2188402). Invitae Evidence Modeling of protein sequence and biophysical properties (such as structural, functional, and spatial information, amino acid conservation, physicochemical variation, residue mobility, and thermodynamic stability) indicates that this missense variant is not expected to disrupt KDM5C protein function with a negative predictive value of 80%. In summary, the available evidence is currently insufficient to determine the role of this variant in disease. Therefore, it has been classified as a Variant of Uncertain Significance.